The following is an entry in ClinVar:

NM_012479.4(YWHAG):c.7G>A (p.Asp3Asn)

Gene: YWHAG (tyrosine 3-monooxygenase/tryptophan 5-monooxygenase activation protein gamma; minus strand). Cytogenetic location: 7q11.23.
Variant type: single nucleotide variant.
Coding change: c.7G>A on transcript NM_012479.4 (MANE Select); coding-DNA position 7, G replaced by A.
Protein change: p.Asp3Asn; replaces aspartic acid 3 with asparagine.
Molecular consequence: missense variant.
Genome position (GRCh38, 1-based): chr7:76,358,802, C>T on the plus strand (G>A on the coding strand, the complement: YWHAG is on the minus strand). VCF-style: chr7-76358802-C-T. GRCh37 (hg19) VCF-style: chr7-75988119-C-T.
Other names: short protein forms D3N.
Identifiers: ClinVar variation 2092355 (VCV002092355.4), dbSNP rs2536207210, ClinGen allele CA367758497.

ClinVar aggregate classification (germline): Uncertain significance (1 of 4 stars; one submission).

Allele frequency attached by ClinVar (database versions not stated): gnomAD exomes below 0.00001.
gnomAD v4.1: 1 of 1,593,242 alleles (0.000063%); highest among the groups gnomAD compares: Non-Finnish European, 0.000085%; no homozygotes.

Submission:

Labcorp Genetics (formerly Invitae), Labcorp
Classification: Uncertain significance. Last evaluated: 2022-10-27. Review status: criteria provided, single submitter. Criteria: Invitae Variant Classification Sherloc (09022015). Collection method: clinical testing. Allele origin: germline.
Comment: In summary, the available evidence is currently insufficient to determine the role of this variant in disease. Therefore, it has been classified as a Variant of Uncertain Significance. Algorithms developed to predict the effect of missense changes on protein structure and function (SIFT, PolyPhen-2, Align-GVGD) all suggest that this variant is likely to be tolerated. This variant has not been reported in the literature in individuals affected with YWHAG-related conditions. This variant is not present in population databases (gnomAD no frequency). This sequence change replaces aspartic acid, which is acidic and polar, with asparagine, which is neutral and polar, at codon 3 of the YWHAG protein (p.Asp3Asn).